The following is an entry in ClinVar:

NM_052859.4(RFT1):c.840A>G (p.Ile280Met)

Gene: RFT1 (RFT1 glycolipid translocator homolog; minus strand). Cytogenetic location: 3p21.1.
Variant type: single nucleotide variant.
Coding change: c.840A>G on transcript NM_052859.4 (MANE Select); coding-DNA position 840, A replaced by G.
Protein change: p.Ile280Met; replaces isoleucine 280 with methionine.
Molecular consequence: missense variant.
Genome position (GRCh38, 1-based): chr3:53,105,790, T>C on the plus strand (A>G on the coding strand, the complement: RFT1 is on the minus strand). VCF-style: chr3-53105790-T-C. GRCh37 (hg19) VCF-style: chr3-53139806-T-C.
Other names: short protein forms I280M.
Identifiers: ClinVar variation 1714847 (VCV001714847.6), dbSNP rs1559587721, ClinGen allele CA353229943.
Genomic context (GRCh38, chr3:53,105,790, plus strand): 5'-AAAACTTTCCTCTATTGGCTGGAAAATTAATCTGGCCACAAGGGAGCCAAGATTATTCAC[T>C]ATATCATACACACCTACAAAACAAAAAAGAAGAAACAACAATCATGTTGGTTTTTCTATT-3'
Protein context (NP_443091.1, residues 270-290): LNFGDQGVYD[Ile280Met]VNNLGSLVAR

ClinVar aggregate classification (germline): Uncertain significance. Review status: criteria provided, multiple submitters, no conflicts (2 of 4 stars). 2 submissions from 2 submitters: Uncertain significance (2). Last evaluated 2025-09-24.

Conditions:
RFT1-congenital disorder of glycosylation (CDG1N). Also called: RFT1-CDG; CDG In; Congenital disorder of glycosylation type In. Identifiers: Orphanet 244310, MedGen C2677590, MONDO:0012783, OMIM 612015.

Allele frequency attached by ClinVar (database versions not stated): gnomAD exomes below 0.00001.
gnomAD v4.1: 1 of 1,613,752 alleles (0.000062%); highest among the groups gnomAD compares: East Asian, 0.0022%; no homozygotes.

Submissions (2):

Genesolutions, Medical Genetics Institutes, Ho Chi Minh City, Vietnam
Classification: Uncertain significance for RFT1-congenital disorder of glycosylation. Last evaluated: 2025-09-24. Review status: criteria provided, single submitter. Criteria: ACMG Guidelines, 2015. Collection method: clinical testing. Allele origin: germline. Affected: yes.

Labcorp Genetics (formerly Invitae), Labcorp
Classification: Uncertain significance for RFT1-congenital disorder of glycosylation. Last evaluated: 2024-05-15. Review status: criteria provided, single submitter. Criteria: Invitae Variant Classification Sherloc (09022015). Collection method: clinical testing. Allele origin: germline.
Comment: This sequence change replaces isoleucine, which is neutral and non-polar, with methionine, which is neutral and non-polar, at codon 280 of the RFT1 protein (p.Ile280Met). This variant is not present in population databases (gnomAD no frequency). This variant has not been reported in the literature in individuals affected with RFT1-related conditions. ClinVar contains an entry for this variant (Variation ID: 1714847). Advanced modeling of protein sequence and biophysical properties (such as structural, functional, and spatial information, amino acid conservation, physicochemical variation, residue mobility, and thermodynamic stability) performed at Invitae indicates that this missense variant is not expected to disrupt RFT1 protein function with a negative predictive value of 80%. In summary, the available evidence is currently insufficient to determine the role of this variant in disease. Therefore, it has been classified as a Variant of Uncertain Significance.